The following is an entry in ClinVar:

NM_006618.5(KDM5B):c.4276C>T (p.Arg1426Ter)

Gene: KDM5B (lysine demethylase 5B; minus strand). Cytogenetic location: 1q32.1.
Variant type: single nucleotide variant.
Coding change: c.4276C>T on transcript NM_006618.5 (MANE Select); coding-DNA position 4276, C replaced by T.
Protein change: p.Arg1426Ter; replaces arginine 1426 with a stop codon.
Molecular consequence: nonsense.
Genome position (GRCh38, 1-based): chr1:202,729,928, G>A on the plus strand (C>T on the coding strand, the complement: KDM5B is on the minus strand). VCF-style: chr1-202729928-G-A. GRCh37 (hg19) VCF-style: chr1-202699056-G-A.
Other names: c.4384C>T, p.Arg1462Ter (NM_001314042.2); c.4141C>T, p.Arg1381Ter (NM_001347591.2); c.4261C>T, p.Arg1421Ter (NM_001399817.1); short protein forms R1421*, R1381*, R1426*, R1462*.
Identifiers: ClinVar variation 2222508 (VCV002222508.28), dbSNP rs764916645, ClinGen allele CA1333987.

ClinVar aggregate classification (germline): Pathogenic/Likely pathogenic. Review status: criteria provided, multiple submitters, no conflicts (2 of 4 stars). 3 submissions from 3 submitters: Pathogenic (1); Likely pathogenic (2). Last evaluated 2025-01-03.

Conditions:
Inborn genetic diseases. Identifiers: MedGen C0950123, MeSH D030342.
Intellectual developmental disorder, autosomal recessive 65. Also called: Intellectual disability, autosomal recessive 65; MENTAL RETARDATION, AUTOSOMAL RECESSIVE 65. Identifiers: MedGen C4748219, MONDO:0020850, OMIM 618109.

Allele frequency attached by ClinVar (database versions not stated): ExAC 0.00001.
gnomAD v4.1: 7 of 1,613,878 alleles (0.00043%); highest among the groups gnomAD compares: East Asian, 0.0045%; no homozygotes.

Submissions (3):

Dasa
Classification: Likely pathogenic for Intellectual developmental disorder, autosomal recessive 65. Last evaluated: 2025-01-03. Review status: criteria provided, single submitter. Criteria: DASA Assertion Criteria. Collection method: clinical testing. Allele origin: germline.
Comment: NM_006618.5(KDM5B):c.4276C>T (p.Arg1426*) is a nonsense variant in KDM5B predicted to introduce a premature termination codon and is predicted to result in an absent or altered protein product. Loss of function is an established disease mechanism for KDM5B-associated disorders. Also, this variant is rare in population databases. Based on the currently available evidence, this variant is classified as likely pathogenic.

CeGaT Center for Human Genetics Tuebingen
Classification: Likely pathogenic. Last evaluated: 2022-11-01. Review status: criteria provided, single submitter. Criteria: CeGaT Center For Human Genetics Tuebingen Variant Classification Criteria Version 2. Collection method: clinical testing. Allele origin: germline. Affected: yes. Observed: 1 variant allele.
Comment: KDM5B: PVS1

Ambry Genetics
Classification: Pathogenic for Inborn genetic diseases. Last evaluated: 2022-05-20. Review status: criteria provided, single submitter. Criteria: Ambry Variant Classification Scheme 2023. Collection method: clinical testing. Allele origin: germline.
Comment: The c.4276C>T (p.R1426*) alteration, located in exon 26 (coding exon 26) of the KDM5B gene, consists of a C to T substitution at nucleotide position 4276. This changes the amino acid from an arginine (R) to a stop codon at amino acid position 1426. This alteration is expected to result in loss of function by premature protein truncation or nonsense-mediated mRNA decay. Based on data from gnomAD, the T allele has an overall frequency of <0.01% (2/282420) total alleles studied. The highest observed frequency was 0.01% (1/19950) of East Asian alleles. Based on the available evidence, this alteration is classified as pathogenic.